The following is an entry in ClinVar:

NM_000297.4(PKD2):c.2640G>A (p.Val880=)

Gene: PKD2 (polycystin 2, transient receptor potential cation channel; plus strand). Cytogenetic location: 4q22.1.
Variant type: single nucleotide variant.
Coding change: c.2640G>A on transcript NM_000297.4 (MANE Select); coding-DNA position 2640, G replaced by A.
Protein change: p.Val880=; no amino-acid change (valine 880 retained).
Molecular consequence: synonymous variant. On other transcripts: non-coding transcript variant (1).
Genome position (GRCh38, 1-based): chr4:88,074,929, G>A. VCF-style: chr4-88074929-G-A. GRCh37 (hg19) VCF-style: chr4-88996081-G-A.
Identifiers: ClinVar variation 3774562 (VCV003774562.1).

ClinVar aggregate classification (germline): Uncertain significance (1 of 4 stars; one submission).

Conditions:
Polycystic kidney disease 2 (PKD2). Also called: POLYCYSTIC KIDNEY DISEASE 2 WITH OR WITHOUT POLYCYSTIC LIVER DISEASE; POLYCYSTIC KIDNEY DISEASE, ADULT, TYPE II; Polycystic Kidney Disease 2, Autosomal Dominant. Identifiers: MedGen C2751306, MONDO:0013131, OMIM 613095.

Submission:

MVZ Medizinische Genetik Mainz
Classification: Uncertain significance for Polycystic kidney disease 2. Last evaluated: 2025-02-13. Review status: criteria provided, single submitter. Criteria: UK Practice Guidelines For Variant Classification V4 01 2020. Collection method: clinical testing. Allele origin: germline. Inheritance: Autosomal dominant inheritance. Affected: yes. Observed: 1 variant allele.
Comment: ACMG Criteria: PM2_SUP,PP3,PP4